The following is an entry in ClinVar:

ClinVar aggregate classification (germline): Benign/Likely benign. Review status: criteria provided, multiple submitters, no conflicts (2 of 4 stars). 3 submissions from 3 submitters: Benign (1); Likely benign (2). Last evaluated 2024-09-26.

Conditions:
Hereditary cancer-predisposing syndrome. Also called: Hereditary neoplastic syndrome; Neoplastic Syndromes, Hereditary; Tumor predisposition; Hereditary Cancer Syndrome. Identifiers: Orphanet 140162, MedGen C0027672, MeSH D009386, MONDO:0015356.
Familial melanoma. Also called: Hereditary melanoma; Hereditary cutaneous melanoma. Identifiers: Orphanet 618, MedGen C1512419, MONDO:0018961.
Melanoma, cutaneous malignant, susceptibility to, 3. Also called: Cutaneous malignant melanoma 3. Identifiers: Orphanet 618, MedGen C1836892, MONDO:0012183, OMIM 609048.

gnomAD v4.1: 1 of 1,614,044 alleles (0.000062%); highest among the groups gnomAD compares: Non-Finnish European, 0.000085%; no homozygotes.

Submissions (3):

Myriad Genetics, Inc.
Classification: Benign for Melanoma, cutaneous malignant, susceptibility to, 3. Last evaluated: 2024-09-26. Review status: criteria provided, single submitter. Criteria: Myriad Autosomal Dominant, Autosomal Recessive and X-Linked Classification Criteria (2023). Collection method: clinical testing. Allele origin: unknown.
Comment: This variant is considered benign. This variant is a silent/synonymous amino acid change and it is not expected to impact splicing.

Labcorp Genetics (formerly Invitae), Labcorp
Classification: Likely benign for Familial melanoma. Last evaluated: 2021-11-30. Review status: criteria provided, single submitter. Criteria: Invitae Variant Classification Sherloc (09022015). Collection method: clinical testing. Allele origin: germline.

Ambry Genetics
Classification: Likely benign for Hereditary cancer-predisposing syndrome. Last evaluated: 2021-03-02. Review status: criteria provided, single submitter. Criteria: Ambry Variant Classification Scheme 2023. Collection method: clinical testing. Allele origin: germline.

NM_000075.4(CDK4):c.777G>C (p.Ser259=)

Genes: TSPAN31 (tetraspanin 31; plus strand), CDK4 (cyclin dependent kinase 4; minus strand). Cytogenetic location: 12q14.1.
Variant type: single nucleotide variant.
Coding change: c.777G>C on transcript NM_000075.4 (MANE Select); coding-DNA position 777, G replaced by C.
Protein change: p.Ser259=; no amino-acid change (serine 259 retained).
Molecular consequence: synonymous variant. On other transcripts: 3 prime UTR variant (3).
Genome position (GRCh38, 1-based): chr12:57,749,224, C>G on the plus strand (G>C on the coding strand, the complement: CDK4 is on the minus strand). VCF-style: chr12-57749224-C-G. GRCh37 (hg19) VCF-style: chr12-58143007-C-G.
Other names: c.*1934C>G (NM_001330168.2, NM_001330169.2, NM_005981.5).
Identifiers: ClinVar variation 1145829 (VCV001145829.12), dbSNP rs3211622, ClinGen allele CA480299684.